The following is an entry in ClinVar:

NM_001164508.2(NEB):c.19234G>T (p.Val6412Leu)

Gene: NEB (nebulin; minus strand). Cytogenetic location: 2q23.3.
Variant type: single nucleotide variant.
Coding change: c.19234G>T on transcript NM_001164508.2 (MANE Select); coding-DNA position 19234, G replaced by T.
Protein change: p.Val6412Leu; replaces valine 6412 with leucine.
Molecular consequence: missense variant.
Genome position (GRCh38, 1-based): chr2:151,560,672, C>A on the plus strand (G>T on the coding strand, the complement: NEB is on the minus strand). VCF-style: chr2-151560672-C-A. GRCh37 (hg19) VCF-style: chr2-152417186-C-A.
Other names: c.19234G>T, p.Val6412Leu (NM_001164507.2, NM_001271208.2); c.14131G>T, p.Val4711Leu (NM_004543.5); short protein forms V4711L, V6412L.
Identifiers: ClinVar variation 1449775 (VCV001449775.5), dbSNP rs2095980616, ClinGen allele CA348794076.
Genomic context (GRCh38, chr2:151,560,672, plus strand): 5'-GGTTCTTGGCGTGTGTCAGGGACAAGGTGCTGGAAGGCAGGATGTAGCTGGTGGCTTTCA[C>A]TCTATCCCAGGCCTCCTTGTACAGGTTCTGCAGGAATTAAAGACCTTCTTGTGAATATGG-3'
Protein context (NP_001157980.2, residues 6402-6422): SNLYKEAWDR[Val6412Leu]KATSYILPSS

ClinVar aggregate classification (germline): Uncertain significance (1 of 4 stars; one submission).

Conditions:
Nemaline myopathy 2 (NEM2). Also called: Nemaline myopathy 2, autosomal recessive. Identifiers: MedGen C1850569, MONDO:0009725, OMIM 256030.

Submission:

Labcorp Genetics (formerly Invitae), Labcorp
Classification: Uncertain significance for Nemaline myopathy 2. Last evaluated: 2022-03-08. Review status: criteria provided, single submitter. Criteria: Invitae Variant Classification Sherloc (09022015). Collection method: clinical testing. Allele origin: germline.
Comment: This sequence change replaces valine, which is neutral and non-polar, with leucine, which is neutral and non-polar, at codon 6412 of the NEB protein (p.Val6412Leu). This variant is not present in population databases (gnomAD no frequency). This variant has not been reported in the literature in individuals affected with NEB-related conditions. Algorithms developed to predict the effect of missense changes on protein structure and function are either unavailable or do not agree on the potential impact of this missense change (SIFT: "Deleterious"; PolyPhen-2: "Not Available"; Align-GVGD: "Class C0"). In summary, the available evidence is currently insufficient to determine the role of this variant in disease. Therefore, it has been classified as a Variant of Uncertain Significance.